The following is an entry in ClinVar:

NC_000017.10:g.(?_63526094)_(63554738_?)del

Gene: AXIN2 (axin 2; minus strand). Cytogenetic location: 17q24.1.
Variant type: Deletion.
Identifiers: ClinVar variation 2425193 (VCV002425193.4).

ClinVar aggregate classification (germline): Pathogenic (1 of 4 stars; one submission).

Conditions:
Oligodontia-cancer predisposition syndrome. Also called: TOOTH AGENESIS-COLORECTAL CANCER SYNDROME. Identifiers: Orphanet 300576, MedGen C1837750, MONDO:0012075, OMIM 608615. Disease mechanism: loss of function.

Submission:

Labcorp Genetics (formerly Invitae), Labcorp
Classification: Pathogenic for Oligodontia-cancer predisposition syndrome. Last evaluated: 2023-02-22. Review status: criteria provided, single submitter. Criteria: Invitae Variant Classification Sherloc (09022015). Collection method: clinical testing. Allele origin: germline.
Comment: A gross deletion of the genomic region encompassing the full coding sequence of the AXIN2 gene has been identified. Loss-of-function variants in AXIN2 are known to be pathogenic (PMID: 15042511, 21416598). The boundaries of this event are unknown as they extend beyond the assayed region for this gene and therefore may encompass additional genes. This variant has not been reported in the literature in individuals affected with AXIN2-related conditions. For these reasons, this variant has been classified as Pathogenic.

Literature cited by the submitters: PubMed 15042511; PubMed 21416598.